The following is an entry in ClinVar:

ClinVar aggregate classification (germline): Pathogenic (1 of 4 stars; one submission).

Submission:

Labcorp Genetics (formerly Invitae), Labcorp
Classification: Pathogenic. Last evaluated: 2025-04-30. Review status: criteria provided, single submitter. Criteria: Invitae Variant Classification Sherloc (09022015). Collection method: clinical testing. Allele origin: germline.
Comment: This sequence change creates a premature translational stop signal (p.Asn801Metfs*12) in the TET2 gene. It is expected to result in an absent or disrupted protein product. Loss-of-function variants in TET2 are known to be pathogenic (PMID: 36066697). This variant is not present in population databases (gnomAD no frequency). This variant has not been reported in the literature in individuals affected with TET2-related conditions. For these reasons, this variant has been classified as Pathogenic.

Literature cited by the submitters: PubMed 36066697.

NM_001127208.3(TET2):c.2402del (p.Asn801fs)

Genes: TET2 (tet methylcytosine dioxygenase 2; plus strand), TET2-AS1 (TET2 antisense RNA 1; minus strand). Cytogenetic location: 4q24.
Variant type: Deletion.
Coding change: c.2402del on transcript NM_001127208.3 (MANE Select); coding-DNA position 2402, one base deleted (A; older notation c.2402delA).
Protein change: p.Asn801fs; shifts the reading frame from asparagine 801.
Molecular consequence: frameshift variant.
Genome position (GRCh38, 1-based): chr4:105,236,344, A deleted; the last of 2 consecutive A bases (chr4:105,236,343-105,236,344); deleting either gives the same sequence. VCF-style (leftmost placement, unchanged base first): chr4-105236342-TA-T. GRCh37 (hg19) VCF-style: chr4-106157499-TA-T.
Other names: c.2402del, p.Asn801fs (NM_017628.4); short protein forms N801fs.
Identifiers: ClinVar variation 4718674 (VCV004718674.1).